The following is an entry in ClinVar:

NM_004304.5(ALK):c.3545G>A (p.Cys1182Tyr)

Gene: ALK (ALK receptor tyrosine kinase; minus strand). Cytogenetic location: 2p23.2.
Variant type: single nucleotide variant.
Coding change: c.3545G>A on transcript NM_004304.5 (MANE Select); coding-DNA position 3545, G replaced by A.
Protein change: p.Cys1182Tyr; replaces cysteine 1182 with tyrosine.
Molecular consequence: missense variant.
Genome position (GRCh38, 1-based): chr2:29,220,806, C>T on the plus strand (G>A on the coding strand, the complement: ALK is on the minus strand). VCF-style: chr2-29220806-C-T. GRCh37 (hg19) VCF-style: chr2-29443672-C-T.
Other names: c.341G>A, p.Cys114Tyr (NM_001353765.2); short protein forms C114Y, C1182Y.
Identifiers: ClinVar variation 2816650 (VCV002816650.3), dbSNP rs2148166628, ClinGen allele CA346473138.

ClinVar aggregate classification (germline): Uncertain significance (1 of 4 stars; one submission).

Conditions:
Neuroblastoma, susceptibility to, 3. Also called: ALK-Related Neuroblastic Tumor Susceptibility. Identifiers: Orphanet 635, MedGen C2751681, MONDO:0013083, OMIM 613014.

Submission:

Labcorp Genetics (formerly Invitae), Labcorp
Classification: Uncertain significance for Neuroblastoma, susceptibility to, 3. Last evaluated: 2022-11-25. Review status: criteria provided, single submitter. Criteria: Invitae Variant Classification Sherloc (09022015). Collection method: clinical testing. Allele origin: germline.
Comment: This sequence change replaces cysteine, which is neutral and slightly polar, with tyrosine, which is neutral and polar, at codon 1182 of the ALK protein (p.Cys1182Tyr). This variant is not present in population databases (gnomAD no frequency). This variant has not been reported in the literature in individuals affected with ALK-related conditions. Algorithms developed to predict the effect of missense changes on protein structure and function (SIFT, PolyPhen-2, Align-GVGD) all suggest that this variant is likely to be disruptive. In summary, the available evidence is currently insufficient to determine the role of this variant in disease. Therefore, it has been classified as a Variant of Uncertain Significance.